The following is an entry in ClinVar:

ClinVar aggregate classification (germline): Conflicting classifications of pathogenicity. Review status: criteria provided, conflicting classifications (1 of 4 stars). 18 submissions from 17 submitters: Pathogenic (11); Likely pathogenic (4); Uncertain significance (1). 2 of the submissions do not count toward it. Last evaluated 2026-09-15.

Conditions:
Fetal anomalies with a likely genetic cause.
Carey-Fineman-Ziter syndrome 1 (CFZS1). Also called: MYOPATHY, CONGENITAL NONPROGRESSIVE, WITH MOEBIUS SEQUENCE AND ROBIN SEQUENCE. Identifiers: MedGen C5676876, MONDO:0800437, OMIM 254940.
TMEM8C-related disorders.
Congenital nonprogressive myopathy with Moebius and Robin sequences. Also called: Carey-Fineman-Ziter syndrome. Identifiers: Orphanet 1358, MedGen C1850746, MONDO:0031415.
MYMK-related disorder. Also called: MYMK-related condition.

Allele frequency attached by ClinVar (database versions not stated): gnomAD 0.00116 and 0.00125; ExAC 0.00128; ESP Exome Variant Server 0.00177; TOPMed 0.00133; 1000 Genomes Project 0.00140; gnomAD exomes 0.00200 and 0.00124; 1000 Genomes Project 30x 0.00125.
gnomAD v4.1: 3,094 of 1,613,944 alleles (0.19%); highest among the groups gnomAD compares: Non-Finnish European, 0.24%; 2 homozygotes.

Submissions 1 to 12 of 18:

GeneDx
Classification: Likely pathogenic. Last evaluated: 2026-09-15. Review status: criteria provided, single submitter. Criteria: GeneDx Variant Classification Process June 2021. Collection method: clinical testing. Allele origin: germline.
Comment: Published functional studies suggest a damaging effect (PMID: 28681861); Considered a hypomorphic allele and associated with milder disease (PMID: 29560417, 28681861); In silico analysis suggests that this missense variant does not alter protein structure/function; This variant is associated with the following publications: (PMID: 7131178, 30065953, 29560417, 32573669, 32333597, 32528171, 28681861, 38790073, 39700446, 38544359, Li2026[article])

Genetics Laboratory, Great Ormond Street Hospital NHS Foundation Trust, North Thames Genomic Laboratory Hub
Classification: Uncertain significance for Fetal anomalies with a likely genetic cause. Last evaluated: 2026-08-04. Review status: criteria provided, single submitter. Criteria: ACGS Best Practice Guidelines for Variant Classification in Rare Disease 2024 v1.2. Collection method: clinical testing. Allele origin: germline. Affected: yes.
Comment: BS2_strong, BP4_supporting, PS3_supporting, PP1_strong

Wales Gene Park, Division Of Cancer and Genetics, Cardiff University
Classification: Likely pathogenic for Carey-Fineman-Ziter syndrome 1. Last evaluated: 2026-04-28. Review status: criteria provided, single submitter. Criteria: ACGS Best Practice Guidelines for Variant Classification in Rare Disease 2024. Collection method: research. Allele origin: inherited. Inheritance: Autosomal recessive inheritance. Study: 100,000 Genomes Project (Wales).
Comment: Inherited MYMK missense variant detected by genome sequencing. This variant has been found homozygous or compound heterozygous with other MYMK variants in individuals with features consistent with Carey-Fineman-Ziter syndrome 1. Functional studies have shown that this variant alters MYMK protein function. The variant has been observed to segregate with disease in multiple families. Evidence codes: PM3_strong, PP1_strong, PS3_supporting.

Dasa
Classification: Pathogenic. Last evaluated: 2026-04-06. Review status: criteria provided, single submitter. Criteria: DASA Assertion Criteria. Collection method: clinical testing. Allele origin: germline.
Comment: NM_001080483.3(MYMK):c.271C>A (p.Pro91Thr) is a missense variant that results in the substitution of proline with threonine. This variant has been reported in individuals with related phenotype (PMID: 28681861). The variant is present at low frequency in population datasets. Based on the available data, this variant is classified as pathogenic.

PreventionGenetics, part of Exact Sciences
Classification: Pathogenic for MYMK-related condition. Last evaluated: 2025-12-24. Review status: criteria provided, single submitter. Criteria: ACMG Guidelines, 2015. Collection method: clinical testing. Allele origin: germline.
Comment: The MYMK c.271C>A variant is predicted to result in the amino acid substitution p.Pro91Thr. This variant has been reported in the compound heterozygous state in multiple individuals with Carey-Fineman-Ziter syndrome (Figure S1, Di Gioia et al. 2017. PubMed ID: 28681861; Alrohaif et al. 2018. PubMed ID: 29560417; Hedberg-Oldfors et al. 2018. PubMed ID: 30065953; Supp. Table 5 Töpf et al. 2020. PubMed ID: 32528171). This variant is reported in 0.22% of alleles in individuals of European (non-Finnish) descent in gnomAD. This variant is interpreted as pathogenic.

Variantyx, Inc.
Classification: Pathogenic for Carey-Fineman-Ziter syndrome 1. Last evaluated: 2025-03-11. Review status: criteria provided, single submitter. Criteria: Variantyx Assertion Criteria 2022. Collection method: clinical testing. Allele origin: germline. Affected: yes.
Comment: This is a nonsynonymous variant in the MYMK gene (OMIM: 615345). Pathogenic variants in this gene have been associated with autosomal recessive Carey-Fineman-Ziter syndrome 1. This variant has been identified in the homozygous or compound heterozygous state in individual(s) from the published literature (PMID: 30065953, 28681861), or previous internal cases (PM3_Very_Strong). This variant has been observed to segregate with disease in at least three individuals from three families (PMID: 30065953, 28681861) (PP1_Moderate). Functional studies have shown that this variant alters MYMK protein function (PMID: 28681861) (PS3_Supporting). Computational algorithms produce conflicting evidence regarding the predicted functional impact of this variant (REVEL score: 0.313). This variant has a 0.2409% maximum allele frequency in non-founder control populations. Based on the current evidence, this variant is classified as pathogenic for autosomal recessive Carey-Fineman-Ziter syndrome 1.

Undiagnosed Diseases Network, NIH
Classification: Pathogenic for Carey-Fineman-Ziter syndrome 1. Last evaluated: 2025-02-14. Review status: criteria provided, single submitter. Criteria: ACMG Guidelines, 2015. Collection method: clinical testing. Allele origin: maternal. Affected: yes. Observed: 1 variant allele, 1 compound heterozygote. Study: Undiagnosed Diseases Network (NIH), UDN.

Blueprint Genetics
Classification: Pathogenic for TMEM8C-related disorders. Last evaluated: 2024-11-04. Review status: criteria provided, single submitter. Criteria: ACMG Guidelines, 2015. Collection method: clinical testing. Allele origin: germline. Affected: yes. Observed: 5 variant alleles.

Baylor Genetics
Classification: Pathogenic for Carey-Fineman-Ziter syndrome 1. Last evaluated: 2023-11-20. Review status: criteria provided, single submitter. Criteria: ACMG Guidelines, 2015. Collection method: clinical testing. Allele origin: unknown.

Mayo Clinic Laboratories, Mayo Clinic
Classification: Pathogenic. Last evaluated: 2023-10-30. Review status: criteria provided, single submitter. Criteria: ACMG Guidelines, 2015. Collection method: clinical testing. Allele origin: germline. Observed: 1 variant allele.
Comment: PP1, PM2_moderate, PM3, PS3_supporting, PS4

Women's Health and Genetics/Laboratory Corporation of America, LabCorp
Classification: Pathogenic for Congenital nonprogressive myopathy with Moebius and Robin sequences. Last evaluated: 2022-12-02. Review status: criteria provided, single submitter. Criteria: LabCorp Variant Classification Summary - May 2015. Collection method: clinical testing. Allele origin: germline.
Comment: Variant summary: MYMK c.271C>A (p.Pro91Thr) results in a non-conservative amino acid change in the encoded protein sequence. Three of five in-silico tools predict a damaging effect of the variant on protein function. The variant allele was found at a frequency of 0.0012 in 282106 control chromosomes, found exclusively in the heterozygous state, and predominantly at a frequency of 0.0022 within the Non-Finnish European subpopulation in the gnomAD database. c.271C>A has been reported in the literature in the compound heterozygous state in at least 10 individuals affected with Congenital Nonprogressive Myopathy With Moebius And Robin Sequences (Carey-Fineman-Ziter Syndrome) from 5 different families in which the variant segregrated with the disease phenotype (e.g. Di Gioia_2017, Hedberg-Oldfors_2018). These data indicate that the variant is very likely to be associated with disease. At least one publication reports experimental evidence evaluating an impact on protein function (Di Gioia_2017). These results indicated that the variant results in a partial loss of function, as observed in a zebrafish model, and has reduced protein expression in in vitro experiments but retains residual function upon overexpression. As a result of these experimental findings, it has been proposed that c.271C>A is likely a hypomorphic variant. Eight submitters have provided clinical-significance assessments for this variant to ClinVar after 2014 with conflicting assessments. The majority have classified the variant as either pathogenic (n=4) or likely pathogenic (n=2), and the remaining have classified it as VUS (n=2). Based on the evidence outlined above, the variant was classified as pathogenic.

Revvity Omics, Revvity
Classification: Likely pathogenic for Carey-Fineman-Ziter syndrome 1. Last evaluated: 2022-06-30. Review status: criteria provided, single submitter. Criteria: ACMG Guidelines, 2015. Collection method: clinical testing. Allele origin: germline.

NM_001080483.3(MYMK):c.271C>A (p.Pro91Thr)

Gene: MYMK (myomaker, myoblast fusion factor; minus strand). Cytogenetic location: 9q34.2.
Variant type: single nucleotide variant.
Coding change: c.271C>A on transcript NM_001080483.3 (MANE Select); coding-DNA position 271, C replaced by A.
Protein change: p.Pro91Thr; replaces proline 91 with threonine.
Molecular consequence: missense variant.
Genome position (GRCh38, 1-based): chr9:133,519,002, G>T on the plus strand (C>A on the coding strand, the complement: MYMK is on the minus strand). VCF-style: chr9-133519002-G-T. GRCh37 (hg19) VCF-style: chr9-136384124-G-T.
Other names: p.P91T; short protein forms P91T.
Identifiers: ClinVar variation 430839 (VCV000430839.38), dbSNP rs137868995, ClinGen allele CA5312268.